The following is an entry in ClinVar:

ClinVar aggregate classification (germline): Conflicting classifications of pathogenicity. Review status: criteria provided, conflicting classifications (1 of 4 stars). 2 submissions from 2 submitters: Uncertain significance (1); Likely benign (1). Last evaluated 2026-01-08.

Conditions:
Gastrointestinal stromal tumor. Also called: Gastrointestinal stromal tumor, somatic; Gastrointestinal stroma tumor. Identifiers: Orphanet 44890, MedGen C0238198, MeSH D046152, MONDO:0011719, OMIM 606764, HP:0100723.
Hereditary cancer-predisposing syndrome. Also called: Neoplastic Syndromes, Hereditary; Tumor predisposition; Hereditary Cancer Syndrome; Hereditary neoplastic syndrome. Identifiers: Orphanet 140162, MedGen C0027672, MeSH D009386, MONDO:0015356.

Submissions (2):

Labcorp Genetics (formerly Invitae), Labcorp
Classification: Uncertain significance for Gastrointestinal stromal tumor. Last evaluated: 2026-01-08. Review status: criteria provided, single submitter. Criteria: Invitae Variant Classification Sherloc (09022015). Collection method: clinical testing. Allele origin: germline.
Comment: This sequence change replaces aspartic acid, which is acidic and polar, with asparagine, which is neutral and polar, at codon 1075 of the PDGFRA protein (p.Asp1075Asn). Information on the frequency of this variant in the gnomAD database is not available, as this variant may be reported differently in the database. This variant has not been reported in the literature in individuals affected with PDGFRA-related conditions. ClinVar contains an entry for this variant (Variation ID: 2709165). Experimental studies and prediction algorithms are not available or were not evaluated, and the functional significance of this variant is currently unknown. In summary, the available evidence is currently insufficient to determine the role of this variant in disease. Therefore, it has been classified as a Variant of Uncertain Significance.

Ambry Genetics
Classification: Likely benign for Hereditary cancer-predisposing syndrome. Last evaluated: 2025-01-23. Review status: criteria provided, single submitter. Criteria: Ambry Variant Classification Scheme 2023. Collection method: clinical testing. Allele origin: germline.

NM_006206.6(PDGFRA):c.3222_3223inv (p.Asp1075Asn)

Gene: PDGFRA (platelet derived growth factor receptor alpha; plus strand). Cytogenetic location: 4q12.
Variant type: Inversion.
Coding change: c.3222_3223inv on transcript NM_006206.6 (MANE Select).
Protein change: p.Asp1075Asn; replaces aspartic acid 1075 with asparagine.
Molecular consequence: missense variant.
Genome position: GRCh38 VCF-style: chr4-54295224-TG-CA. GRCh37 (hg19) VCF-style: chr4-55161391-TG-CA.
Other names: c.3297_3298inv, p.Asp1100Asn (NM_001347828.2); c.3222_3223inv, p.Asp1075Asn (NM_001347829.2); c.3261_3262inv, p.Asp1088Asn (NM_001347830.2); c.3222_3223delTGinsCA (NM_006206.4); short protein forms D1075N, D1088N, D1100N.
Identifiers: ClinVar variation 2709165 (VCV002709165.4), ClinGen allele CA2697546713.